The following is an entry in ClinVar:

ClinVar aggregate classification (germline): Uncertain significance. Review status: criteria provided, multiple submitters, no conflicts (2 of 4 stars). 2 submissions from 2 submitters: Uncertain significance (2). Last evaluated 2022-12-14.

Conditions:
Long QT syndrome (LQTS). Identifiers: MedGen C0023976, MeSH D008133, MONDO:0002442. Disease mechanism: loss of function. Inheritance: Various modes of inheritance.

Submissions (2):

GeneDx
Classification: Uncertain significance. Last evaluated: 2022-12-14. Review status: criteria provided, single submitter. Criteria: GeneDx Variant Classification Process June 2021. Collection method: clinical testing. Allele origin: germline. Affected: yes.
Comment: Not observed at significant frequency in large population cohorts (gnomAD); Functional studies using a massively parallel trafficking assay suggest the p.(D46G) variant performs similarly compared to wildtype (Ng et al., 2022), though it is not clear how well these studies reproduce in vivo conditions; In silico analysis supports that this missense variant has a deleterious effect on protein structure/function; This variant is associated with the following publications: (PMID: 22396785, 35688148)

Labcorp Genetics (formerly Invitae), Labcorp
Classification: Uncertain significance for Long QT syndrome. Last evaluated: 2021-04-05. Review status: criteria provided, single submitter. Criteria: Invitae Variant Classification Sherloc (09022015). Collection method: clinical testing. Allele origin: germline.
Comment: In summary, the available evidence is currently insufficient to determine the role of this variant in disease. Therefore, it has been classified as a Variant of Uncertain Significance. Algorithms developed to predict the effect of missense changes on protein structure and function are either unavailable or do not agree on the potential impact of this missense change (SIFT: "Tolerated"; PolyPhen-2: "Possibly Damaging"; Align-GVGD: "Class C0"). This variant has not been reported in the literature in individuals with KCNH2-related conditions. This variant is not present in population databases (ExAC no frequency). This sequence change replaces aspartic acid with glycine at codon 46 of the KCNH2 protein (p.Asp46Gly). The aspartic acid residue is weakly conserved and there is a moderate physicochemical difference between aspartic acid and glycine.

NM_000238.4(KCNH2):c.137A>G (p.Asp46Gly)

Gene: KCNH2 (potassium voltage-gated channel subfamily H member 2; minus strand). Cytogenetic location: 7q36.1.
Variant type: single nucleotide variant.
Coding change: c.137A>G on transcript NM_000238.4 (MANE Select); coding-DNA position 137, A replaced by G.
Protein change: p.Asp46Gly; replaces aspartic acid 46 with glycine.
Molecular consequence: missense variant.
Genome position (GRCh38, 1-based): chr7:150,974,881, T>C on the plus strand (A>G on the coding strand, the complement: KCNH2 is on the minus strand). VCF-style: chr7-150974881-T-C. GRCh37 (hg19) VCF-style: chr7-150671969-T-C.
Other names: c.-41A>G (NM_001406755.1); c.137A>G, p.Asp46Gly (NM_172056.3); short protein forms D46G.
Identifiers: ClinVar variation 1303967 (VCV001303967.10), dbSNP rs2117063507, ClinGen allele CA369865832.